The following is an entry in ClinVar:

NM_001458.5(FLNC):c.2131G>C (p.Gly711Arg)

Genes: FLNC (filamin C; plus strand), LOC129999273 (ATAC-STARR-seq lymphoblastoid silent region 18616; plus strand). Cytogenetic location: 7q32.1.
Variant type: single nucleotide variant.
Coding change: c.2131G>C on transcript NM_001458.5 (MANE Select); coding-DNA position 2131, G replaced by C.
Protein change: p.Gly711Arg; replaces glycine 711 with arginine.
Molecular consequence: missense variant.
Genome position (GRCh38, 1-based): chr7:128,842,240, G>C. VCF-style: chr7-128842240-G-C. GRCh37 (hg19) VCF-style: chr7-128482294-G-C.
Other names: c.2131G>C, p.Gly711Arg (NM_001127487.2); short protein forms G711R.
Identifiers: ClinVar variation 3748302 (VCV003748302.2).

ClinVar aggregate classification (germline): Uncertain significance (1 of 4 stars; one submission).

Conditions:
Hypertrophic cardiomyopathy 26. Also called: Cardiomyopathy, familial hypertrophic, 26. Identifiers: Orphanet 75249, MedGen C4310749, MONDO:0014883, OMIM 617047.
Myofibrillar myopathy 5. Also called: Filaminopathy (type); FILAMINOPATHY, AUTOSOMAL DOMINANT. Identifiers: Orphanet 171445, MedGen C1836050, MONDO:0012289, OMIM 609524.
Distal myopathy with posterior leg and anterior hand involvement. Also called: WILLIAMS DISTAL MYOPATHY. Identifiers: Orphanet 63273, MedGen C3279722, MONDO:0013550, OMIM 614065.

Submission:

Labcorp Genetics (formerly Invitae), Labcorp
Classification: Uncertain significance for Distal myopathy with posterior leg and anterior hand involvement; Myofibrillar myopathy 5; Hypertrophic cardiomyopathy 26. Last evaluated: 2024-06-06. Review status: criteria provided, single submitter. Criteria: Invitae Variant Classification Sherloc (09022015). Collection method: clinical testing. Allele origin: germline.
Comment: This sequence change replaces glycine, which is neutral and non-polar, with arginine, which is basic and polar, at codon 711 of the FLNC protein (p.Gly711Arg). This variant is not present in population databases (gnomAD no frequency). This variant has not been reported in the literature in individuals affected with FLNC-related conditions. Advanced modeling of protein sequence and biophysical properties (such as structural, functional, and spatial information, amino acid conservation, physicochemical variation, residue mobility, and thermodynamic stability) has been performed at Invitae for this missense variant, however the output from this modeling did not meet the statistical confidence thresholds required to predict the impact of this variant on FLNC protein function. In summary, the available evidence is currently insufficient to determine the role of this variant in disease. Therefore, it has been classified as a Variant of Uncertain Significance.